The following is an entry in ClinVar:

ClinVar aggregate classification (germline): Pathogenic (1 of 4 stars; one submission).

Conditions:
PKD1-related disorder. Also called: PKD1-related condition.

Submission:

PreventionGenetics, part of Exact Sciences
Classification: Pathogenic for PKD1-related condition. Last evaluated: 2024-11-25. Review status: criteria provided, single submitter. Criteria: ACMG Guidelines, 2015. Collection method: clinical testing. Allele origin: germline.
Comment: The PKD1 c.6454dupG variant is predicted to result in a frameshift and premature protein termination (p.Asp2152Glyfs*23). This variant was reported in an individual with polycystic kidney disease (Supplementary Table 1, Garcia-Gonzalez et al. 2007. PubMed ID: 17574468). This variant has not been reported in a large population database (gnomAD), indicating this variant is rare. Frameshift variants in PKD1 are expected to be pathogenic. This variant is interpreted as pathogenic.

NM_001009944.3(PKD1):c.6454dup (p.Asp2152fs)

Gene: PKD1 (polycystin 1, transient receptor potential channel interacting; minus strand). Cytogenetic location: 16p13.3.
Variant type: Duplication.
Coding change: c.6454dup on transcript NM_001009944.3 (MANE Select); coding-DNA position 6454, one base duplicated (G; older notation c.6454dupG).
Protein change: p.Asp2152fs; shifts the reading frame from aspartic acid 2152.
Molecular consequence: frameshift variant.
Genome position (GRCh38, 1-based): chr16:2,108,713, C duplicated on the plus strand (G on the coding strand, the reverse complement: PKD1 is on the minus strand); the first of 2 consecutive C bases (chr16:2,108,713-2,108,714); duplicating either gives the same sequence. VCF-style (leftmost placement, unchanged base first): chr16-2108712-T-TC. GRCh37 (hg19) VCF-style: chr16-2158713-T-TC.
Other names: c.6454dupG (NM_001009944.2); c.6454dup, p.Asp2152fs (NM_000296.4); short protein forms D2152fs.
Identifiers: ClinVar variation 4983136 (VCV004983136.1).